The following is an entry in ClinVar:

ClinVar aggregate classification (germline): Pathogenic (1 of 4 stars; one submission).

Submission:

Labcorp Genetics (formerly Invitae), Labcorp
Classification: Pathogenic. Last evaluated: 2022-08-22. Review status: criteria provided, single submitter. Criteria: Invitae Variant Classification Sherloc (09022015). Collection method: clinical testing. Allele origin: germline.
Comment: For these reasons, this variant has been classified as Pathogenic. This sequence change creates a premature translational stop signal (p.Trp410*) in the POLE gene. It is expected to result in an absent or disrupted protein product. Loss-of-function variants in POLE are known to be pathogenic (PMID: 23230001, 25948378, 30503519). This variant is not present in population databases (gnomAD no frequency). This variant has not been reported in the literature in individuals affected with POLE-related conditions.

Literature cited by the submitters: PubMed 23230001; PubMed 25948378; PubMed 30503519.

NM_006231.4(POLE):c.1230G>A (p.Trp410Ter)

Gene: POLE (DNA polymerase epsilon, catalytic subunit; minus strand). Cytogenetic location: 12q24.33.
Variant type: single nucleotide variant.
Coding change: c.1230G>A on transcript NM_006231.4 (MANE Select); coding-DNA position 1230, G replaced by A.
Protein change: p.Trp410Ter; replaces tryptophan 410 with a stop codon.
Molecular consequence: nonsense.
Genome position (GRCh38, 1-based): chr12:132,673,704, C>T on the plus strand (G>A on the coding strand, the complement: POLE is on the minus strand). VCF-style: chr12-132673704-C-T. GRCh37 (hg19) VCF-style: chr12-133250290-C-T.
Other names: short protein forms W410*.
Identifiers: ClinVar variation 2419026 (VCV002419026.6), dbSNP rs2136000931, ClinGen allele CA387359769.